The following is an entry in ClinVar:

ClinVar aggregate classification (germline): Uncertain significance. Review status: criteria provided, multiple submitters, no conflicts (2 of 4 stars). 4 submissions from 4 submitters: Uncertain significance (4). Last evaluated 2026-08-06.

Conditions:
Emery-Dreifuss muscular dystrophy 4, autosomal dominant (EDMD4). Also called: EMERY-DREIFUSS MUSCULAR DYSTROPHY 4 WITH VARIABLE FEATURES. Identifiers: Orphanet 261, MedGen C2751807, MONDO:0013071, OMIM 612998.
Autosomal recessive ataxia, Beauce type. Also called: Spinocerebellar ataxia, autosomal recessive 8; ATAXIA, RECESSIVE, OF BEAUCE; SYNE1-Related Autosomal Recessive Cerebellar Ataxia; SYNE1 Deficiency. Identifiers: Orphanet 88644, MedGen C1853116, MONDO:0012549, OMIM 610743.

Allele frequency attached by ClinVar (database versions not stated): TOPMed 0.00002; gnomAD 0.00005; ExAC 0.00001.
gnomAD v4.1: 54 of 1,613,964 alleles (0.0033%); highest among the groups gnomAD compares: Non-Finnish European, 0.0042%; no homozygotes.

Submissions (4):

GeneDx
Classification: Uncertain significance. Last evaluated: 2026-08-06. Review status: criteria provided, single submitter. Criteria: GeneDx Variant Classification Process June 2021. Collection method: clinical testing. Allele origin: germline.
Comment: In silico analysis supports that this missense variant has a deleterious effect on protein structure/function; Has not been previously published as pathogenic or benign to our knowledge

Labcorp Genetics (formerly Invitae), Labcorp
Classification: Uncertain significance for Emery-Dreifuss muscular dystrophy 4, autosomal dominant; Autosomal recessive ataxia, Beauce type. Last evaluated: 2023-07-07. Review status: criteria provided, single submitter. Criteria: Invitae Variant Classification Sherloc (09022015). Collection method: clinical testing. Allele origin: germline.
Comment: In summary, the available evidence is currently insufficient to determine the role of this variant in disease. Therefore, it has been classified as a Variant of Uncertain Significance. An algorithm developed to predict the effect of missense changes on protein structure and function (PolyPhen-2) suggests that this variant is likely to be disruptive. ClinVar contains an entry for this variant (Variation ID: 199251). This variant has not been reported in the literature in individuals affected with SYNE1-related conditions. This variant is present in population databases (rs200360218, gnomAD 0.006%). This sequence change replaces glutamic acid, which is acidic and polar, with lysine, which is basic and polar, at codon 6172 of the SYNE1 protein (p.Glu6172Lys).

Mayo Clinic Laboratories, Mayo Clinic
Classification: Uncertain significance. Last evaluated: 2022-03-17. Review status: criteria provided, single submitter. Criteria: ACMG Guidelines, 2015. Collection method: clinical testing. Allele origin: germline. Observed: 1 variant allele.

Eurofins Ntd Llc (ga)
Classification: Uncertain significance. Last evaluated: 2014-09-17. Review status: criteria provided, single submitter. Criteria: EGL Classification Definitions 2015. Collection method: clinical testing. Allele origin: germline. Observed: 2 variant alleles, 2 heterozygotes.

NM_182961.4(SYNE1):c.18727G>A (p.Glu6243Lys)

Gene: SYNE1 (spectrin repeat containing nuclear envelope protein 1; minus strand). Cytogenetic location: 6q25.2.
Variant type: single nucleotide variant.
Coding change: c.18727G>A on transcript NM_182961.4 (MANE Select); coding-DNA position 18727, G replaced by A.
Protein change: p.Glu6243Lys; replaces glutamic acid 6243 with lysine.
Molecular consequence: missense variant.
Genome position (GRCh38, 1-based): chr6:152,268,144, C>T on the plus strand (G>A on the coding strand, the complement: SYNE1 is on the minus strand). VCF-style: chr6-152268144-C-T. GRCh37 (hg19) VCF-style: chr6-152589279-C-T.
Other names: p.Glu6172Lys; c.18514G>A, p.Glu6172Lys (NM_033071.5); short protein forms E6172K, E6243K.
Identifiers: ClinVar variation 199251 (VCV000199251.14), dbSNP rs200360218, ClinGen allele CA248358.